The following is an entry in ClinVar:

ClinVar aggregate classification (germline): Uncertain significance (1 of 4 stars; one submission).

Conditions:
Hereditary cancer-predisposing syndrome. Also called: Neoplastic Syndromes, Hereditary; Tumor predisposition; Hereditary Cancer Syndrome; Hereditary neoplastic syndrome. Identifiers: Orphanet 140162, MedGen C0027672, MeSH D009386, MONDO:0015356.

Submission:

Ambry Genetics
Classification: Uncertain significance for Hereditary cancer-predisposing syndrome. Last evaluated: 2026-07-28. Review status: criteria provided, single submitter. Criteria: Ambry Variant Classification Scheme 2023. Collection method: clinical testing. Allele origin: germline.
Comment: The p.V50D variant (also known as c.149T>A), located in coding exon 1 of the MEN1 gene, results from a T to A substitution at nucleotide position 149. The valine at codon 50 is replaced by aspartic acid, an amino acid with highly dissimilar properties. This amino acid position is conserved. In addition, this alteration is predicted to be deleterious by in silico analysis. Based on the available evidence, the clinical significance of this variant remains unclear.

NM_001370259.2(MEN1):c.149T>A (p.Val50Asp)

Gene: MEN1 (menin 1; minus strand). Cytogenetic location: 11q13.1.
Variant type: single nucleotide variant.
Coding change: c.149T>A on transcript NM_001370259.2 (MANE Select); coding-DNA position 149, T replaced by A.
Protein change: p.Val50Asp; replaces valine 50 with aspartic acid.
Molecular consequence: missense variant. On other transcripts: non-coding transcript variant (4).
Genome position (GRCh38, 1-based): chr11:64,809,961, A>T on the plus strand (T>A on the coding strand, the complement: MEN1 is on the minus strand). VCF-style: chr11-64809961-A-T. GRCh37 (hg19) VCF-style: chr11-64577433-A-T.
Other names: c.149T>A, p.Val50Asp (NM_000244.4, NM_001370251.2, NM_001370260.2 and 20 more transcripts); short protein forms V50D.
Identifiers: ClinVar variation 4053801 (VCV004053801.2).